The following is an entry in ClinVar:

NM_001384140.1(PCDH15):c.1895G>C (p.Gly632Ala)

Gene: PCDH15 (protocadherin related 15; minus strand). Cytogenetic location: 10q21.1.
Variant type: single nucleotide variant.
Coding change: c.1895G>C on transcript NM_001384140.1 (MANE Select); coding-DNA position 1895, G replaced by C.
Protein change: p.Gly632Ala; replaces glycine 632 with alanine.
Molecular consequence: missense variant. On other transcripts: intron variant (1).
Genome position (GRCh38, 1-based): chr10:54,132,897, C>G on the plus strand (G>C on the coding strand, the complement: PCDH15 is on the minus strand). VCF-style: chr10-54132897-C-G. GRCh37 (hg19) VCF-style: chr10-55892657-C-G.
Other names: c.1910G>C, p.Gly637Ala (NM_001142763.2, NM_001142771.2); c.1895G>C, p.Gly632Ala (NM_001142764.2, NM_001142766.2, NM_001142770.3 and 5 more transcripts); c.1784G>C, p.Gly595Ala (NM_001142767.2); c.1829G>C, p.Gly610Ala (NM_001142768.2, NM_001142773.2, NM_001354404.2); c.1931G>C, p.Gly644Ala (NM_001142769.4); c.1916G>C, p.Gly639Ala (NM_001354411.2); c.1784+20203G>C (NM_001142765.2); short protein forms G632A, G610A, G639A, G637A, G595A, G644A.
Identifiers: ClinVar variation 2132545 (VCV002132545.1), dbSNP rs2042563299, ClinGen allele CA376514848.

ClinVar aggregate classification (germline): Uncertain significance (1 of 4 stars; one submission).

Allele frequency attached by ClinVar (database versions not stated): gnomAD exomes below 0.00001; TOPMed below 0.00001.
gnomAD v4.1: 2 of 1,613,668 alleles (0.00012%); highest among the groups gnomAD compares: Non-Finnish European, 0.000085%; no homozygotes.

Submission:

Labcorp Genetics (formerly Invitae), Labcorp
Classification: Uncertain significance. Last evaluated: 2022-07-05. Review status: criteria provided, single submitter. Criteria: Invitae Variant Classification Sherloc (09022015). Collection method: clinical testing. Allele origin: germline.
Comment: This sequence change replaces glycine, which is neutral and non-polar, with alanine, which is neutral and non-polar, at codon 632 of the PCDH15 protein (p.Gly632Ala). This variant is not present in population databases (gnomAD no frequency). This variant has not been reported in the literature in individuals affected with PCDH15-related conditions. Algorithms developed to predict the effect of missense changes on protein structure and function are either unavailable or do not agree on the potential impact of this missense change (SIFT: "Deleterious"; PolyPhen-2: "Probably Damaging"; Align-GVGD: "Class C0"). In summary, the available evidence is currently insufficient to determine the role of this variant in disease. Therefore, it has been classified as a Variant of Uncertain Significance.